The following is an entry in ClinVar:

NM_001371279.1(REEP1):c.396G>A (p.Ala132=)

Gene: REEP1 (receptor accessory protein 1; minus strand). Cytogenetic location: 2p11.2.
Variant type: single nucleotide variant.
Coding change: c.396G>A on transcript NM_001371279.1 (MANE Select); coding-DNA position 396, G replaced by A.
Protein change: p.Ala132=; no amino-acid change (alanine 132 retained).
Molecular consequence: synonymous variant. On other transcripts: intron variant (1).
Genome position (GRCh38, 1-based): chr2:86,251,978, C>T on the plus strand (G>A on the coding strand, the complement: REEP1 is on the minus strand). VCF-style: chr2-86251978-C-T. GRCh37 (hg19) VCF-style: chr2-86479101-C-T.
Other names: c.417G>A, p.Ala139= (NM_001164730.2); c.315G>A, p.Ala105= (NM_001164731.2); c.396G>A, p.Ala132= (NM_001371280.1, NM_022912.3); c.182+11987G>A (NM_001164732.2).
Identifiers: ClinVar variation 216736 (VCV000216736.46), dbSNP rs377712421, ClinGen allele CA337340.
Genomic context (GRCh38, chr2:86,251,978, plus strand): 5'-ACTGAGACTCATGTAGTTGTGGTACTTCCAGCACAGTACCTTGGAAGCAGCCATCACAGC[C>T]GCTGTGGCGGCCACGTTCAAGCCCCGCTTCCCGAAGTGCACAAGGGCATCGTAACTTCGG-3'
Protein context (NP_001358208.1, residues 122-142): GKRGLNVAAT[Ala132=]AVMAASKGQG

ClinVar aggregate classification (germline): Likely benign. Review status: criteria provided, multiple submitters, no conflicts (2 of 4 stars). 5 submissions from 5 submitters: Likely benign (5). Last evaluated 2025-12-26.

Conditions:
Inborn genetic diseases. Identifiers: MedGen C0950123, MeSH D030342.
Hereditary spastic paraplegia 31. Also called: SPASTIC PARAPLEGIA 31, AUTOSOMAL DOMINANT. Identifiers: Orphanet 101011, MedGen C1853247, MONDO:0012453, OMIM 610250.

Allele frequency attached by ClinVar (database versions not stated): gnomAD exomes 0.00005 and 0.00011; ExAC 0.00007; gnomAD 0.00007 and 0.00008; ESP Exome Variant Server 0.00008; TOPMed 0.00008.
gnomAD v4.1: 166 of 1,613,422 alleles (0.01%); highest among the groups gnomAD compares: Non-Finnish European, 0.013%; no homozygotes.

Submissions (5):

Labcorp Genetics (formerly Invitae), Labcorp
Classification: Likely benign for Hereditary spastic paraplegia 31. Last evaluated: 2025-12-26. Review status: criteria provided, single submitter. Criteria: Invitae Variant Classification Sherloc (09022015). Collection method: clinical testing. Allele origin: germline.

Blueprint Genetics
Classification: Likely benign. Last evaluated: 2024-11-22. Review status: criteria provided, single submitter. Criteria: ACMG Guidelines, 2015. Collection method: clinical testing. Allele origin: germline.

CeGaT Center for Human Genetics Tuebingen
Classification: Likely benign. Last evaluated: 2022-08-01. Review status: criteria provided, single submitter. Criteria: CeGaT Center For Human Genetics Tuebingen Variant Classification Criteria Version 2. Collection method: clinical testing. Allele origin: germline. Affected: yes. Observed: 1 variant allele.
Comment: REEP1: BP4, BP7

GeneDx
Classification: Likely benign. Last evaluated: 2019-11-04. Review status: criteria provided, single submitter. Criteria: GeneDx Variant Classification Process June 2021. Collection method: clinical testing. Allele origin: germline. Affected: yes.

Ambry Genetics
Classification: Likely benign for Inborn genetic diseases. Last evaluated: 2019-07-11. Review status: criteria provided, single submitter. Criteria: Ambry Variant Classification Scheme 2023. Collection method: clinical testing. Allele origin: germline.